The following is an entry in ClinVar:

NM_052947.4(ALPK2):c.5329C>A (p.Pro1777Thr)

Genes: ALPK2 (alpha kinase 2; minus strand), LOC130062577 (ATAC-STARR-seq lymphoblastoid active region 13389; plus strand). Cytogenetic location: 18q21.31.
Variant type: single nucleotide variant.
Coding change: c.5329C>A on transcript NM_052947.4 (MANE Select); coding-DNA position 5329, C replaced by A.
Protein change: p.Pro1777Thr; replaces proline 1777 with threonine.
Molecular consequence: missense variant.
Genome position (GRCh38, 1-based): chr18:58,534,858, G>T on the plus strand (C>A on the coding strand, the complement: ALPK2 is on the minus strand). VCF-style: chr18-58534858-G-T. GRCh37 (hg19) VCF-style: chr18-56202090-G-T.
Other names: short protein forms P1777T.
Identifiers: ClinVar variation 1746857 (VCV001746857.2), dbSNP rs1183636901, ClinGen allele CA402557009.

ClinVar aggregate classification (germline): Uncertain significance (1 of 4 stars; one submission).

Allele frequency attached by ClinVar (database versions not stated): TOPMed below 0.00001; gnomAD 0.00001; gnomAD exomes 0.00002.
gnomAD v4.1: 25 of 1,609,414 alleles (0.0016%); highest among the groups gnomAD compares: Non-Finnish European, 0.0021%; no homozygotes.

Submission:

Ambry Genetics
Classification: Uncertain significance. Last evaluated: 2024-01-13. Review status: criteria provided, single submitter. Criteria: Ambry Variant Classification Scheme 2023. Collection method: clinical testing. Allele origin: germline.
Comment: The p.P1777T variant (also known as c.5329C>A), located in coding exon 4 of the ALPK2 gene, results from a C to A substitution at nucleotide position 5329. The proline at codon 1777 is replaced by threonine, an amino acid with highly similar properties. This amino acid position is conserved. In addition, this alteration is predicted to be tolerated by in silico analysis. Since supporting evidence is limited at this time, the clinical significance of this alteration remains unclear.